The following is an entry in ClinVar:

NM_001379210.1(SLC25A26):c.190+293T>C

Gene: SLC25A26 (solute carrier family 25 member 26; plus strand). Cytogenetic location: 3p14.1.
Variant type: single nucleotide variant.
Coding change: c.190+293T>C on transcript NM_001379210.1 (MANE Select); 293 bases into the intron after coding-DNA position 190, T replaced by C.
Molecular consequence: intron variant.
Genome position (GRCh38, 1-based): chr3:66,236,993, T>C. VCF-style: chr3-66236993-T-C. GRCh37 (hg19) VCF-style: chr3-66287417-T-C.
Other names: c.190+293T>C (NM_173471.4); c.-75+293T>C (NM_001350993.1); c.-74-6210T>C (NM_001164796.1).
Identifiers: ClinVar variation 683888 (VCV000683888.1), dbSNP rs147780924, ClinGen allele CA11475110.

ClinVar aggregate classification (germline): Benign (1 of 4 stars; one submission).

Allele frequency attached by ClinVar (database versions not stated): gnomAD 0.44119 and 0.45151; TOPMed 0.45245; 1000 Genomes Project 0.46006; 1000 Genomes Project 30x 0.46736.
gnomAD v4.1: 66,763 of 151,894 alleles (44%); highest among the groups gnomAD compares: African/African-American, 70%; 16,993 homozygotes.

Submission:

GeneDx
Classification: Benign. Last evaluated: 2018-06-14. Review status: criteria provided, single submitter. Criteria: GeneDx Variant Classification (06012015). Collection method: clinical testing. Allele origin: germline. Affected: yes.
Comment: This variant is considered likely benign or benign based on one or more of the following criteria: it is a conservative change, it occurs at a poorly conserved position in the protein, it is predicted to be benign by multiple in silico algorithms, and/or has population frequency not consistent with disease.